The following is an entry in ClinVar:

NM_007325.5(GRIA3):c.646C>T (p.Arg216Ter)

Gene: GRIA3 (glutamate ionotropic receptor AMPA type subunit 3; plus strand). Cytogenetic location: Xq25.
Variant type: single nucleotide variant.
Coding change: c.646C>T on transcript NM_007325.5 (MANE Select); coding-DNA position 646, C replaced by T.
Protein change: p.Arg216Ter; replaces arginine 216 with a stop codon.
Molecular consequence: nonsense.
Genome position (GRCh38, 1-based): chrX:123,326,163, C>T. VCF-style: chrX-123326163-C-T. GRCh37 (hg19) VCF-style: chrX-122460014-C-T.
Other names: NC_000023.10:g.122460014C>T; c.646C>T, p.Arg216Ter (NM_000828.5); short protein forms R216*.
Identifiers: ClinVar variation 197168 (VCV000197168.8), dbSNP rs139990565, ClinGen allele CA202721.

ClinVar aggregate classification (germline): Pathogenic/Likely pathogenic. Review status: criteria provided, multiple submitters, no conflicts (2 of 4 stars). 3 submissions from 3 submitters: Pathogenic (1); Likely pathogenic (2). Last evaluated 2023-02-23.

Conditions:
Syndromic X-linked intellectual disability 94 (MRXSW). Also called: MENTAL RETARDATION, X-LINKED, SYNDROMIC 29; X-linked intellectual disability due to GRIA3 anomalies. Identifiers: Orphanet 364028, MedGen C2678051, MONDO:0010402, OMIM 300699.

Allele frequency attached by ClinVar (database versions not stated): gnomAD exomes below 0.00001.

Submissions (4):

3billion
Classification: Pathogenic for Syndromic X-linked intellectual disability 94. Last evaluated: 2023-02-23. Review status: criteria provided, single submitter. Criteria: ACMG Guidelines, 2015. Collection method: clinical testing. Allele origin: unknown. Affected: yes.
Comment: The variant is not observed in the gnomAD v2.1.1 dataset. This variant was predicted to result in a loss or disruption of normal protein function through nonsense-mediated decay (NMD) or protein truncation. Multiple pathogenic variants are reported downstream of the variant. The variant has been reported to be associated with GRIA3 related disorder (ClinVar ID: VCV000197168). Therefore, this variant is classified as Pathogenic according to the recommendation of ACMG/AMP guideline.

Clinical Genetics Laboratory, Skane University Hospital Lund
Classification: Likely pathogenic. Last evaluated: 2022-08-11. Review status: criteria provided, single submitter. Criteria: ACMG Guidelines, 2015. Collection method: clinical testing. Allele origin: germline. Affected: yes.

Eurofins Ntd Llc (ga)
Classification: Likely pathogenic. Last evaluated: 2014-08-06. Review status: criteria provided, single submitter. Criteria: EGL Classification Definitions 2015. Collection method: clinical testing. Allele origin: germline. Observed: 1 variant allele, 1 hemizygote.

Dr. Peter K. Rogan Lab, Western University
No classification provided (evidence only). Condition: Thyroid cancer, nonmedullary, 1. Review status: no classification provided. Collection method: in vitro. Allele origin: not applicable. Functional consequence: retained intron. Not counted in ClinVar's aggregate classification.